The following is an entry in ClinVar:

NM_001845.6(COL4A1):c.1864_1890dup (p.Gly630_Leu631insPheProGlyGlyProGlySerProGly)

Gene: COL4A1 (collagen type IV alpha 1 chain; minus strand). Cytogenetic location: 13q34.
Variant type: Duplication.
Coding change: c.1864_1890dup on transcript NM_001845.6 (MANE Select); coding-DNA positions 1864 to 1890, 27 bases duplicated (TTTCCTGGAGGCCCTGGATCCCCAGGC).
Protein change: p.Gly630_Leu631insPheProGlyGlyProGlySerProGly.
Molecular consequence: inframe insertion.
Genome position (GRCh38, 1-based): chr13:110,186,392-110,186,418, GCCTGGGGATCCAGGGCCTCCAGGAAA duplicated on the plus strand (TTTCCTGGAGGCCCTGGATCCCCAGGC on the coding strand, the reverse complement: COL4A1 is on the minus strand); duplicating any 27 consecutive bases within chr13:110,186,392-110,186,423 gives the same sequence; the c. name uses the placement nearest the transcript's 3' end. VCF-style (leftmost placement, unchanged base first): chr13-110186391-G-GGCCTGGGGATCCAGGGCCTCCAGGAAA. GRCh37 (hg19) VCF-style: chr13-110838738-G-GGCCTGGGGATCCAGGGCCTCCAGGAAA.
Identifiers: ClinVar variation 1694710 (VCV001694710.31), dbSNP rs2139173181, ClinGen allele CA2580087136.

ClinVar aggregate classification (germline): Likely pathogenic (1 of 4 stars; one submission).

Submission:

CeGaT Center for Human Genetics Tuebingen
Classification: Likely pathogenic. Last evaluated: 2022-04-01. Review status: criteria provided, single submitter. Criteria: CeGaT Center For Human Genetics Tuebingen Variant Classification Criteria Version 2. Collection method: clinical testing. Allele origin: germline. Affected: yes. Observed: 1 variant allele.
Comment: COL4A1: PM2, PM4, PS2:Moderate